The following is an entry in ClinVar:

NM_021922.3(FANCE):c.257T>C (p.Leu86Pro)

Gene: FANCE (FA complementation group E; plus strand). Cytogenetic location: 6p21.31.
Variant type: single nucleotide variant.
Coding change: c.257T>C on transcript NM_021922.3 (MANE Select); coding-DNA position 257, T replaced by C.
Protein change: p.Leu86Pro; replaces leucine 86 with proline.
Molecular consequence: missense variant.
Genome position (GRCh38, 1-based): chr6:35,455,755, T>C. VCF-style: chr6-35455755-T-C. GRCh37 (hg19) VCF-style: chr6-35423532-T-C.
Other names: c.257T>C, p.Leu86Pro (NM_001410876.1); short protein forms L86P.
Identifiers: ClinVar variation 2167289 (VCV002167289.1), dbSNP rs765137858, ClinGen allele CA3771367.

ClinVar aggregate classification (germline): Uncertain significance (1 of 4 stars; one submission).

Conditions:
Fanconi anemia complementation group E (FANCE). Also called: FANCE-Related Fanconi Anemia. Identifiers: Orphanet 84, MedGen C3160739, MONDO:0010953, OMIM 600901.

Allele frequency attached by ClinVar (database versions not stated): TOPMed below 0.00001; ExAC 0.00001; gnomAD 0.00001.
gnomAD v4.1: 3 of 1,613,914 alleles (0.00019%); highest among the groups gnomAD compares: African/African-American, 0.0027%; no homozygotes.

Submission:

Labcorp Genetics (formerly Invitae), Labcorp
Classification: Uncertain significance for Fanconi anemia complementation group E. Last evaluated: 2022-03-01. Review status: criteria provided, single submitter. Criteria: Invitae Variant Classification Sherloc (09022015). Collection method: clinical testing. Allele origin: germline.
Comment: This sequence change replaces leucine, which is neutral and non-polar, with proline, which is neutral and non-polar, at codon 86 of the FANCE protein (p.Leu86Pro). This variant is present in population databases (rs765137858, gnomAD 0.006%). This variant has not been reported in the literature in individuals affected with FANCE-related conditions. Algorithms developed to predict the effect of missense changes on protein structure and function are either unavailable or do not agree on the potential impact of this missense change (SIFT: "Deleterious"; PolyPhen-2: "Probably Damaging"; Align-GVGD: "Class C0"). In summary, the available evidence is currently insufficient to determine the role of this variant in disease. Therefore, it has been classified as a Variant of Uncertain Significance.